The following is an entry in ClinVar:

ClinVar aggregate classification (germline): Uncertain significance (1 of 4 stars; one submission).

Conditions:
Inborn genetic diseases. Identifiers: MedGen C0950123, MeSH D030342.

Submission:

Ambry Genetics
Classification: Uncertain significance for Inborn genetic diseases. Last evaluated: 2024-12-20. Review status: criteria provided, single submitter. Criteria: Ambry Variant Classification Scheme 2023. Collection method: clinical testing. Allele origin: germline.
Comment: The p.R460G variant (also known as c.1378C>G), located in coding exon 15 of the FANCA gene, results from a C to G substitution at nucleotide position 1378. The arginine at codon 460 is replaced by glycine, an amino acid with dissimilar properties. This amino acid position is conserved. In addition, the in silico prediction for this alteration is inconclusive. Based on the available evidence, the clinical significance of this variant remains unclear.

NM_000135.4(FANCA):c.1378C>G (p.Arg460Gly)

Gene: FANCA (FA complementation group A; minus strand). Cytogenetic location: 16q24.3.
Variant type: single nucleotide variant.
Coding change: c.1378C>G on transcript NM_000135.4 (MANE Select); coding-DNA position 1378, C replaced by G.
Protein change: p.Arg460Gly; replaces arginine 460 with glycine.
Molecular consequence: missense variant.
Genome position (GRCh38, 1-based): chr16:89,784,946, G>C on the plus strand (C>G on the coding strand, the complement: FANCA is on the minus strand). VCF-style: chr16-89784946-G-C. GRCh37 (hg19) VCF-style: chr16-89851354-G-C.
Other names: c.1378C>G, p.Arg460Gly (NM_001286167.3); short protein forms R460G.
Identifiers: ClinVar variation 3848040 (VCV003848040.1).